The following is an entry in ClinVar:

NM_178857.6(RP1L1):c.89T>C (p.Val30Ala)

Gene: RP1L1 (RP1 like 1). Cytogenetic location: 8p23.1.
Variant type: single nucleotide variant.
Coding change: c.89T>C on transcript NM_178857.6 (MANE Select); coding-DNA position 89, T replaced by C.
Protein change: p.Val30Ala; replaces valine 30 with alanine.
Molecular consequence: missense variant.
Genome position (GRCh38, 1-based): chr8:10,623,113, A>G on the plus strand (T>C on the coding strand, the complement: RP1L1 is on the minus strand). VCF-style: chr8-10623113-A-G. GRCh37 (hg19) VCF-style: chr8-10480623-A-G.
Other names: short protein forms V30A.
Identifiers: ClinVar variation 3614492 (VCV003614492.2).

ClinVar aggregate classification (germline): Uncertain significance (1 of 4 stars; one submission).

gnomAD v4.1: 2 of 1,612,798 alleles (0.00012%); highest among the groups gnomAD compares: Non-Finnish European, 0.00017%; no homozygotes.

Submission:

Labcorp Genetics (formerly Invitae), Labcorp
Classification: Uncertain significance. Last evaluated: 2024-01-29. Review status: criteria provided, single submitter. Criteria: Invitae Variant Classification Sherloc (09022015). Collection method: clinical testing. Allele origin: germline.
Comment: This sequence change replaces valine, which is neutral and non-polar, with alanine, which is neutral and non-polar, at codon 30 of the RP1L1 protein (p.Val30Ala). This variant is not present in population databases (gnomAD no frequency). This variant has not been reported in the literature in individuals affected with RP1L1-related conditions. Advanced modeling of protein sequence and biophysical properties (such as structural, functional, and spatial information, amino acid conservation, physicochemical variation, residue mobility, and thermodynamic stability) performed at Invitae indicates that this missense variant is not expected to disrupt RP1L1 protein function with a negative predictive value of 80%. In summary, the available evidence is currently insufficient to determine the role of this variant in disease. Therefore, it has been classified as a Variant of Uncertain Significance.